The following is an entry in ClinVar:

ClinVar aggregate classification (germline): Likely benign. Review status: criteria provided, multiple submitters, no conflicts (2 of 4 stars). 3 submissions from 3 submitters: Likely benign (3). Last evaluated 2025-10-31.

Conditions:
MCM2-related disorder. Also called: MCM2-related condition.

Allele frequency attached by ClinVar (database versions not stated): TOPMed 0.00006; ExAC 0.00012; gnomAD exomes 0.00012 and 0.00016; gnomAD 0.00013; 1000 Genomes Project 30x 0.00016; 1000 Genomes Project 0.00020.
gnomAD v4.1: 190 of 1,606,860 alleles (0.012%); highest among the groups gnomAD compares: Non-Finnish European, 0.011%; no homozygotes.

Submissions (3):

PreventionGenetics, part of Exact Sciences
Classification: Likely benign for MCM2-related condition. Last evaluated: 2025-10-31. Review status: criteria provided, single submitter. Criteria: ACMG Guidelines, 2015. Collection method: clinical testing. Allele origin: germline.
Comment: This variant is classified as likely benign based on ACMG/AMP sequence variant interpretation guidelines (Richards et al. 2015 PMID: 25741868, with internal and published modifications).

Labcorp Genetics (formerly Invitae), Labcorp
Classification: Likely benign. Last evaluated: 2025-03-17. Review status: criteria provided, single submitter. Criteria: Invitae Variant Classification Sherloc (09022015). Collection method: clinical testing. Allele origin: germline.

GeneDx
Classification: Likely benign. Last evaluated: 2021-04-07. Review status: criteria provided, single submitter. Criteria: GeneDx Variant Classification Process June 2021. Collection method: clinical testing. Allele origin: germline. Affected: yes.

NM_004526.4(MCM2):c.2435G>A (p.Arg812His)

Genes: MCM2 (minichromosome maintenance complex component 2; plus strand), LOC107986126 (uncharacterized LOC107986126; minus strand). Cytogenetic location: 3q21.3.
Variant type: single nucleotide variant.
Coding change: c.2435G>A on transcript NM_004526.4 (MANE Select); coding-DNA position 2435, G replaced by A.
Protein change: p.Arg812His; replaces arginine 812 with histidine.
Molecular consequence: missense variant. On other transcripts: non-coding transcript variant (1).
Genome position (GRCh38, 1-based): chr3:127,620,867, G>A. VCF-style: chr3-127620867-G-A. GRCh37 (hg19) VCF-style: chr3-127339710-G-A.
Other names: short protein forms R812H.
Identifiers: ClinVar variation 1318439 (VCV001318439.7), dbSNP rs185316647, ClinGen allele CA2596225.